The following is an entry in ClinVar:

ClinVar aggregate classification (germline): Conflicting classifications of pathogenicity. Review status: criteria provided, conflicting classifications (1 of 4 stars). 7 submissions from 7 submitters: Uncertain significance (5); Benign (1); Likely benign (1). Last evaluated 2026-01-19.

Conditions:
Cardiovascular phenotype. Identifiers: MedGen CN230736.
Dilated cardiomyopathy 1BB (CMD1BB). Also called: CARDIOMYOPATHY, DILATED, 1BB, SUSCEPTIBILITY TO. Identifiers: Orphanet 154, MedGen C2752072, MONDO:0013030, OMIM 612877.
Arrhythmogenic right ventricular dysplasia 10. Also called: Arrhythmogenic Right Ventricular Dysplasia/Cardiomyopathy10; ARRHYTHMOGENIC RIGHT VENTRICULAR DYSPLASIA, FAMILIAL, 10; Arrhythmogenic right ventricular dysplasia/cardiomyopathy, type 10. Identifiers: MedGen C1857777, MONDO:0012434, OMIM 610193.
Cardiomyopathy (CMYO). Also called: Cardiomyopathies. Identifiers: Orphanet 167848, MedGen C0878544, MONDO:0004994, HP:0001638. Inheritance: Various modes of inheritance.

Allele frequency attached by ClinVar (database versions not stated): TOPMed 0.00002.
gnomAD v4.1: 21 of 1,614,092 alleles (0.0013%); highest among the groups gnomAD compares: Admixed American, 0.035%; no homozygotes.

Submissions (7):

Labcorp Genetics (formerly Invitae), Labcorp
Classification: Uncertain significance for Arrhythmogenic right ventricular dysplasia 10. Last evaluated: 2026-01-19. Review status: criteria provided, single submitter. Criteria: Invitae Variant Classification Sherloc (09022015). Collection method: clinical testing. Allele origin: germline.
Comment: This sequence change replaces asparagine, which is neutral and polar, with threonine, which is neutral and polar, at codon 33 of the DSG2 protein (p.Asn33Thr). This variant is present in population databases (rs727505205, gnomAD 0.05%). This variant has not been reported in the literature in individuals affected with DSG2-related conditions. ClinVar contains an entry for this variant (Variation ID: 179897). Invitae Evidence Modeling of protein sequence and biophysical properties (such as structural, functional, and spatial information, amino acid conservation, physicochemical variation, residue mobility, and thermodynamic stability) indicates that this missense variant is not expected to disrupt DSG2 protein function with a negative predictive value of 95%. In summary, the available evidence is currently insufficient to determine the role of this variant in disease. Therefore, it has been classified as a Variant of Uncertain Significance.

Ambry Genetics
Classification: Benign for Cardiovascular phenotype. Last evaluated: 2025-04-24. Review status: criteria provided, single submitter. Criteria: Ambry Variant Classification Scheme 2023. Collection method: clinical testing. Allele origin: germline.

GeneDx
Classification: Uncertain significance. Last evaluated: 2025-02-13. Review status: criteria provided, single submitter. Criteria: GeneDx Variant Classification Process June 2021. Collection method: clinical testing. Allele origin: germline. Affected: yes.
Comment: In silico analysis indicates that this missense variant does not alter protein structure/function; Has not been previously published as pathogenic or benign to our knowledge; This variant is associated with the following publications: (PMID: 27532257)

Color Diagnostics, LLC DBA Color Health
Classification: Likely benign for Cardiomyopathy. Last evaluated: 2023-11-20. Review status: criteria provided, single submitter. Criteria: ACMG Guidelines, 2015. Collection method: clinical testing. Allele origin: germline.

Women's Health and Genetics/Laboratory Corporation of America, LabCorp
Classification: Uncertain significance. Last evaluated: 2023-10-09. Review status: criteria provided, single submitter. Criteria: LabCorp Variant Classification Summary - May 2015. Collection method: clinical testing. Allele origin: germline.

Fulgent Genetics
Classification: Uncertain significance for Arrhythmogenic right ventricular dysplasia 10; Dilated cardiomyopathy 1BB. Last evaluated: 2021-08-18. Review status: criteria provided, single submitter. Criteria: ACMG Guidelines, 2015. Collection method: clinical testing. Allele origin: unknown.

Laboratory for Molecular Medicine, Mass General Brigham Personalized Medicine
Classification: Uncertain significance. Last evaluated: 2014-07-25. Review status: criteria provided, single submitter. Criteria: LMM Criteria. Collection method: clinical testing. Allele origin: germline. Observed: 1 variant allele.
Comment: The Asn33Thr variant in DSG2 has not been previously reported in individuals wit h cardiomyopathy or in large population studies. Computational prediction tools and conservation analysis suggest that this variant may not impact the protein, though this information is not predictive enough to rule out pathogenicity. In s ummary, the clinical significance of the Asn33Thr variant is uncertain.

Literature cited by the submitters: PubMed 27532257 (cited by Ambry Genetics).

NM_001943.5(DSG2):c.98A>C (p.Asn33Thr)

Gene: DSG2 (desmoglein 2; plus strand). Cytogenetic location: 18q12.1.
Variant type: single nucleotide variant.
Coding change: c.98A>C on transcript NM_001943.5 (MANE Select); coding-DNA position 98, A replaced by C.
Protein change: p.Asn33Thr; replaces asparagine 33 with threonine.
Molecular consequence: missense variant.
Genome position (GRCh38, 1-based): chr18:31,519,819, A>C. VCF-style: chr18-31519819-A-C. GRCh37 (hg19) VCF-style: chr18-29099782-A-C.
Other names: short protein forms N33T.
Identifiers: ClinVar variation 179897 (VCV000179897.18), dbSNP rs727505205, ClinGen allele CA022366.
Genomic context (GRCh38, chr18:31,519,819, plus strand): 5'-ATTTATGACACATAATAAATTTTGGCAATATTCTATTGTTATAGGTCTTAAGCACAAGAA[A>C]TGAAAATAAGCTGCTTCCTAAACATCCTCATTTAGTGCGGCAAAAGCGCGCCTGGATCAC-3'
Protein context (NP_001934.2, residues 23-43): GLHLQVLSTR[Asn33Thr]ENKLLPKHPH